The following is an entry in ClinVar:

NM_001033855.3(DCLRE1C):c.1342A>G (p.Asn448Asp)

Gene: DCLRE1C (DNA cross-link repair 1C; minus strand). Cytogenetic location: 10p13.
Variant type: single nucleotide variant.
Coding change: c.1342A>G on transcript NM_001033855.3 (MANE Select); coding-DNA position 1342, A replaced by G.
Protein change: p.Asn448Asp; replaces asparagine 448 with aspartic acid.
Molecular consequence: missense variant. On other transcripts: non-coding transcript variant (4).
Genome position (GRCh38, 1-based): chr10:14,909,145, T>C on the plus strand (A>G on the coding strand, the complement: DCLRE1C is on the minus strand). VCF-style: chr10-14909145-T-C. GRCh37 (hg19) VCF-style: chr10-14951144-T-C.
Other names: c.982A>G, p.Asn328Asp (NM_001033857.3, NM_001033858.3, NM_001289077.2 and 2 more transcripts); c.997A>G, p.Asn333Asp (NM_001289076.2, NM_001289078.2, NM_001350966.2 and 1 more transcripts); c.1342A>G, p.Asn448Asp (NM_001350965.2); short protein forms N448D, N328D, N333D.
Identifiers: ClinVar variation 100821 (VCV000100821.2), dbSNP rs483352702, ClinGen allele CA229063.
Genomic context (GRCh38, chr10:14,909,145, plus strand): 5'-AAGCTGGGATTCCTACTTCTTCTTCACTTTCACTGTTGGATTCTTCACAATCTACAAAGT[T>C]TGTGAAACGAGAGCTCTGCATACACTCTGCTCTGCAGCATCCTGGGGTTTGTCTCAGTTT-3'
Protein context (NP_001029027.1, residues 438-458): AECMQSSRFT[Asn448Asp]FVDCEESNSE

ClinVar aggregate classification (germline): Uncertain significance. Review status: no assertion criteria provided (0 of 4 stars). 2 submissions from 1 submitter: Uncertain significance (1). 1 of the submissions does not count toward it.

Submissions (2):

Richard Lifton Laboratory, Yale University School of Medicine
Classification: Uncertain significance. Review status: no assertion criteria provided. Collection method: not provided. Allele origin: somatic.
Comment: DCLRE1C:p.N448D
ClinVar note: Converted during submission from unknown to Uncertain significance.

Richard Lifton Laboratory, Yale University School of Medicine
Classification: Uncertain significance. Review status: flagged submission. Collection method: not provided. Allele origin: somatic. Not counted in ClinVar's aggregate classification.
ClinVar note: Converted during submission from unknown to Uncertain significance.
ClinVar note: Reason: This record appears to be redundant with a more recent record from the same submitter.
ClinVar note: Notes: SCV000120041 appears to be redundant with SCV000155144.